The following is an entry in ClinVar:

ClinVar aggregate classification (germline): Conflicting classifications of pathogenicity. Review status: criteria provided, conflicting classifications (1 of 4 stars). 7 submissions from 7 submitters: Likely pathogenic (3); Uncertain significance (4). Last evaluated 2026-01-25.

Conditions:
Muscular dystrophy. Identifiers: Orphanet 98473, MedGen C0026850, MeSH D009136, MONDO:0020121, HP:0003560.
Autosomal recessive limb-girdle muscular dystrophy type 2J (LGMDR10). Also called: MUSCULAR DYSTROPHY, LIMB-GIRDLE, AUTOSOMAL RECESSIVE 10; Limb-girdle muscular dystrophy, type 2J. Identifiers: Orphanet 140922, MedGen C1837342, MONDO:0012127, OMIM 608807.
Dilated cardiomyopathy 1G (CMD1G). Identifiers: Orphanet 154, MedGen C1858763, MONDO:0011400, OMIM 604145.
Early-onset myopathy with fatal cardiomyopathy (CMYO5). Also called: CONGENITAL MYOPATHY 5 WITH CARDIOMYOPATHY; Salih Myopathy. Identifiers: Orphanet 289377, MedGen C2673677, MONDO:0012714, OMIM 611705. Disease mechanism: loss of function.
Hypertrophic cardiomyopathy 9. Also called: Familial hypertrophic cardiomyopathy 9. Identifiers: MedGen C1861065, MONDO:0013412, OMIM 613765.
Myopathy, myofibrillar, 9, with early respiratory failure (MFM9). Also called: Myopathy, distal, with early respiratory failure, autosomal dominant; Hereditary myopathy with early respiratory failure; EDSTROM MYOPATHY; MYOPATHY, PROXIMAL, WITH EARLY RESPIRATORY MUSCLE INVOLVEMENT. Identifiers: Orphanet 178464, Orphanet 34521, MedGen C1863599, MONDO:0011362, OMIM 603689.
Tibial muscular dystrophy (TMD). Also called: Tibial muscular dystrophy, tardive; Udd Distal Myopathy – Tibial Muscular Dystrophy; UDD MYOPATHY. Identifiers: Orphanet 609, MedGen C1838244, MONDO:0010870, OMIM 600334.
Schizophrenia (SCZD). Identifiers: MedGen C0036341, MeSH D012559, MONDO:0005090, OMIM 181500, HP:0100753.
Primary dilated cardiomyopathy (DCM). Also called: Dilated Cardiomyopathy. Identifiers: Orphanet 217604, MedGen C0007193, MeSH D002311, MONDO:0005021, HP:0001644. Inheritance: Various modes of inheritance.

Allele frequency attached by ClinVar (database versions not stated): gnomAD exomes 0.00005 and 0.00001; TOPMed 0.00005; gnomAD 0.00006 and 0.00005; 1000 Genomes Project 0.00020; 1000 Genomes Project 30x 0.00016; ExAC 0.00005.
gnomAD v4.1: 34 of 1,614,086 alleles (0.0021%); highest among the groups gnomAD compares: East Asian, 0.042%; no homozygotes.

Submissions (7):

Labcorp Genetics (formerly Invitae), Labcorp
Classification: Likely pathogenic for Dilated cardiomyopathy 1G; Autosomal recessive limb-girdle muscular dystrophy type 2J. Last evaluated: 2026-01-25. Review status: criteria provided, single submitter. Criteria: Invitae Variant Classification Sherloc (09022015). Collection method: clinical testing. Allele origin: germline.
Comment: This sequence change affects a donor splice site in intron 11 of the TTN gene. It is expected to disrupt RNA splicing and likely results in a truncated or disrupted TTN protein. This variant is present in population databases (rs397517497, gnomAD 0.05%). This variant has not been observed in the literature in individuals with autosomal recessive TTN-related conditions. This variant has been reported in individual(s) with TTN-related cardiomyopathies (PMID: 33226272, 34553419, 34935411, 37066920, 37461109); however, the role of the variant in this condition is currently unclear. ClinVar contains an entry for this variant (Variation ID: 46689). Algorithms developed to predict the effect of sequence changes on RNA splicing suggest that this variant may disrupt the consensus splice site. This variant is located in the Z band of TTN (PMID: 25589632). Truncating variants in this region have been reported in individuals affected with autosomal recessive centronuclear myopathy (PMID: 33449170, internal data). Truncating variants in this region have also been identified in individuals affected with autosomal dominant dilated cardiomyopathy and/or cardio-related conditions (PMID: 27869827, 32964742, internal data). In summary, the currently available evidence indicates that the variant is pathogenic, but additional data are needed to prove that conclusively. Therefore, this variant has been classified as Likely Pathogenic.

Blueprint Genetics
Classification: Uncertain significance. Last evaluated: 2024-04-15. Review status: criteria provided, single submitter. Criteria: ACMG Guidelines, 2015. Collection method: clinical testing. Allele origin: germline.

GeneDx
Classification: Uncertain significance. Last evaluated: 2022-05-31. Review status: criteria provided, single submitter. Criteria: GeneDx Variant Classification Process June 2021. Collection method: clinical testing. Allele origin: germline. Affected: yes.
Comment: Canonical splice site variant in a gene or region of a gene for which loss of function is not a well-established mechanism of disease; Reported in an abstract, as a heterozygous variant in a child with high serum creatine kinase, mild motor weakness, mild sural hypertrophy, and muscle biopsy indicating a dystrophic process with reduced alpha-dystrophin staining, who also had a homozygous variant in the ISPD gene (Aksoy et al., 2019)

Cambridge Genomics Laboratory, East Genomic Laboratory Hub, NHS Genomic Medicine Service
Classification: Uncertain significance for Schizophrenia. Last evaluated: 2020-02-18. Review status: criteria provided, single submitter. Criteria: ACGS Best Practice Guidelines for Variant Classification in Rare Disease 2020. Collection method: clinical testing. Allele origin: germline. Affected: yes. Observed: 1 variant allele.

Genomic Research Center, Shahid Beheshti University of Medical Sciences
Classification: Likely pathogenic for Muscular dystrophy. Last evaluated: 2017-06-18. Review status: criteria provided, single submitter. Criteria: ACMG Guidelines, 2015. Collection method: clinical testing. Allele origin: inherited. Affected: yes. Observed: 1 variant allele.

Laboratory for Molecular Medicine, Mass General Brigham Personalized Medicine
Classification: Likely pathogenic for Primary dilated cardiomyopathy. Last evaluated: 2012-10-17. Review status: criteria provided, single submitter. Criteria: LMM Criteria. Collection method: clinical testing. Allele origin: germline. Inheritance: Autosomal dominant inheritance. Observed: 2 variant alleles.
Comment: This variant has not been identified by large and broad European Am erican and African American populations screened by the NHLBI Exome Sequencing P roject, which is consistent with a pathogenic role. However, we cannot exclude that it may be common in other populations. Th is variant occurs in the invariant region (+/- 1, 2) of the splice consensus seq uence and is predicted to cause altered splicing leading to an abnormal or absen t protein. Heterozygous loss of function of the TTN gene is strongly associated with DCM (Herman 2012). In summary, this variant is likely pathogenic, though ad ditional studies are required to fully establish its clinical significance.

Juno Genomics, Hangzhou Juno Genomics, Inc
Classification: Uncertain significance for Early-onset myopathy with fatal cardiomyopathy; Hypertrophic cardiomyopathy 9; Myopathy, myofibrillar, 9, with early respiratory failure; Tibial muscular dystrophy; Dilated cardiomyopathy 1G; Autosomal recessive limb-girdle muscular dystrophy type 2J. Review status: criteria provided, single submitter. Criteria: ACMG Guidelines, 2015. Collection method: clinical testing. Allele origin: germline.
Comment: Null variant in a gene where loss of function (LOF) is a known mechanism of disease.

Literature cited by the submitters: PubMed 33226272 (cited by Labcorp Genetics (formerly Invitae), Labcorp); PubMed 34553419 (cited by Labcorp Genetics (formerly Invitae), Labcorp); PubMed 34935411 (cited by Labcorp Genetics (formerly Invitae), Labcorp); PubMed 37066920 (cited by Labcorp Genetics (formerly Invitae), Labcorp); PubMed 37461109 (cited by Labcorp Genetics (formerly Invitae), Labcorp); PubMed 25589632 (cited by Labcorp Genetics (formerly Invitae), Labcorp); PubMed 33449170 (cited by Labcorp Genetics (formerly Invitae), Labcorp); PubMed 27869827 (cited by Labcorp Genetics (formerly Invitae), Labcorp); PubMed 32964742 (cited by Labcorp Genetics (formerly Invitae), Labcorp).

NM_001267550.2(TTN):c.1800+1G>A

Gene: TTN (titin; minus strand). Cytogenetic location: 2q31.2.
Variant type: single nucleotide variant.
Coding change: c.1800+1G>A on transcript NM_001267550.2 (MANE Select); the canonical splice donor site of the intron after coding-DNA position 1800, G replaced by A.
Molecular consequence: splice donor variant. On other transcripts: intron variant (3).
Genome position (GRCh38, 1-based): chr2:178,790,707, C>T on the plus strand (G>A on the coding strand, the complement: TTN is on the minus strand). VCF-style: chr2-178790707-C-T. GRCh37 (hg19) VCF-style: chr2-179655434-C-T.
Other names: c.1663-592G>A (NM_003319.4, NM_133437.4, NM_133432.3); c.1800+1G>A (NM_133378.4, NM_001256850.1, NM_133379.5).
Identifiers: ClinVar variation 46689 (VCV000046689.26), dbSNP rs397517497, ClinGen allele CA261846.